The following is an entry in ClinVar:

ClinVar aggregate classification (germline): Pathogenic (1 of 4 stars; one submission).

Submission:

CeGaT Center for Human Genetics Tuebingen
Classification: Pathogenic. Last evaluated: 2023-01-01. Review status: criteria provided, single submitter. Criteria: CeGaT Center For Human Genetics Tuebingen Variant Classification Criteria Version 2. Collection method: clinical testing. Allele origin: germline. Affected: yes. Observed: 1 variant allele.
Comment: FLG: PVS1, PM2

NM_002016.2(FLG):c.1117del (p.His373fs)

Genes: CCDST (cervical cancer associated DHX9 suppressive transcript; plus strand), FLG (filaggrin; minus strand). Cytogenetic location: 1q21.3.
Variant type: Deletion.
Coding change: c.1117del on transcript NM_002016.2 (MANE Select); coding-DNA position 1117, one base deleted (C; older notation c.1117delC).
Protein change: p.His373fs; shifts the reading frame from histidine 373.
Molecular consequence: frameshift variant. On other transcripts: non-coding transcript variant (1).
Genome position (GRCh38, 1-based): chr1:152,313,769, G deleted on the plus strand (C on the coding strand, the reverse complement: FLG is on the minus strand); the first of 3 consecutive G bases (chr1:152,313,769-152,313,771); deleting any one gives the same sequence. VCF-style (leftmost placement, unchanged base first): chr1-152313768-TG-T. GRCh37 (hg19) VCF-style: chr1-152286244-TG-T.
Other names: short protein forms H373fs.
Identifiers: ClinVar variation 2498421 (VCV002498421.28), dbSNP rs2525216260, ClinGen allele CA2580061060.